The following is an entry in ClinVar:

ClinVar aggregate classification (germline): Uncertain significance (1 of 4 stars; one submission).

Conditions:
Familial hypobetalipoproteinemia 1. Also called: APOB-Related Familial Hypobetalipoproteinemia; Hypobetalipoproteinemia, normotriglyceridemic; Acanthocytosis with hypobetalipoproteinemia. Identifiers: MedGen C4551990, MONDO:0014252, OMIM 615558.
Hypercholesterolemia, autosomal dominant, type B (FHCL2). Also called: Familial Hypercholesterolemia Type B; APOLIPOPROTEIN B-100, FAMILIAL DEFECTIVE; APOLIPOPROTEIN B-100, FAMILIAL LIGAND-DEFECTIVE; HYPERCHOLESTEROLEMIA, FAMILIAL, DUE TO LIGAND-DEFECTIVE APOLIPOPROTEIN B; Hyperlipoproteinemia Type IIb; Familial hypercholesterolemia 2. Identifiers: MedGen C1704417, MONDO:0007751, OMIM 144010.

Submission:

Labcorp Genetics (formerly Invitae), Labcorp
Classification: Uncertain significance for Familial hypobetalipoproteinemia 1; Hypercholesterolemia, autosomal dominant, type B. Last evaluated: 2023-12-12. Review status: criteria provided, single submitter. Criteria: Invitae Variant Classification Sherloc (09022015). Collection method: clinical testing. Allele origin: germline.
Comment: This sequence change falls in intron 9 of the APOB gene. It does not directly change the encoded amino acid sequence of the APOB protein. It affects a nucleotide within the consensus splice site. This variant is not present in population databases (gnomAD no frequency). This variant has not been reported in the literature in individuals affected with APOB-related conditions. Variants that disrupt the consensus splice site are a relatively common cause of aberrant splicing (PMID: 17576681, 9536098). Algorithms developed to predict the effect of sequence changes on RNA splicing suggest that this variant is not likely to affect RNA splicing. In summary, the available evidence is currently insufficient to determine the role of this variant in disease. Therefore, it has been classified as a Variant of Uncertain Significance.

Literature cited by the submitters: PubMed 17576681; PubMed 9536098.

NM_000384.3(APOB):c.1124+6del

Gene: APOB (apolipoprotein B; minus strand). Cytogenetic location: 2p24.1.
Variant type: Deletion.
Coding change: c.1124+6del on transcript NM_000384.3 (MANE Select); 6 bases into the intron after coding-DNA position 1124, one base deleted (T; older notation c.1124+6delT).
Molecular consequence: intron variant.
Genome position (GRCh38, 1-based): chr2:21,033,293, A deleted on the plus strand (T on the coding strand, the reverse complement: APOB is on the minus strand). VCF-style (leftmost placement, unchanged base first): chr2-21033292-TA-T. GRCh37 (hg19) VCF-style: chr2-21256164-TA-T.
Identifiers: ClinVar variation 2935188 (VCV002935188.3), dbSNP rs1377506945, ClinGen allele CA764129932.
Genomic context (GRCh38, chr2:21,033,292, plus strand): 5'-CCAAGGTTTGAAAGTTCAGTCAGTTACCATCAGTTTTATAAAAAGTTGAGCTGTAACCAT[TA>T]GATACCTGGACACCTCAATCAGCTGTGGCAAGAGAGATGTGACTGCTTCATCACTGAGGC-3'